The following is an entry in ClinVar:

NM_017841.4(SDHAF2):c.422G>T (p.Arg141Ile)

Gene: SDHAF2 (succinate dehydrogenase complex assembly factor 2; plus strand). Cytogenetic location: 11q12.2.
Variant type: single nucleotide variant.
Coding change: c.422G>T on transcript NM_017841.4 (MANE Select); coding-DNA position 422, G replaced by T.
Protein change: p.Arg141Ile; replaces arginine 141 with isoleucine.
Molecular consequence: missense variant.
Genome position (GRCh38, 1-based): chr11:61,445,992, G>T. VCF-style: chr11-61445992-G-T. GRCh37 (hg19) VCF-style: chr11-61213464-G-T.
Other names: short protein forms R141I.
Identifiers: ClinVar variation 5029242 (VCV005029242.1).

ClinVar aggregate classification (germline): Uncertain significance (1 of 4 stars; one submission).

Conditions:
Hereditary cancer-predisposing syndrome. Also called: Neoplastic Syndromes, Hereditary; Tumor predisposition; Hereditary neoplastic syndrome; Hereditary Cancer Syndrome. Identifiers: Orphanet 140162, MedGen C0027672, MeSH D009386, MONDO:0015356.

Submission:

Ambry Genetics
Classification: Uncertain significance for Hereditary cancer-predisposing syndrome. Last evaluated: 2026-07-07. Review status: criteria provided, single submitter. Criteria: Ambry Variant Classification Scheme 2023. Collection method: clinical testing. Allele origin: germline.
Comment: The p.R141I variant (also known as c.422G>T), located in coding exon 4 of the SDHAF2 gene, results from a G to T substitution at nucleotide position 422. The arginine at codon 141 is replaced by isoleucine, an amino acid with similar properties. This amino acid position is conserved. In addition, this alteration is predicted to be tolerated by in silico analysis. Based on the available evidence, the clinical significance of this variant remains unclear.